The following is an entry in ClinVar:

NM_000186.4(CFH):c.3127T>C (p.Cys1043Arg)

Gene: CFH (complement factor H; plus strand). Cytogenetic location: 1q31.3.
Variant type: single nucleotide variant.
Coding change: c.3127T>C on transcript NM_000186.4 (MANE Select); coding-DNA position 3127, T replaced by C.
Protein change: p.Cys1043Arg; replaces cysteine 1043 with arginine.
Molecular consequence: missense variant.
Genome position (GRCh38, 1-based): chr1:196,742,045, T>C. VCF-style: chr1-196742045-T-C. GRCh37 (hg19) VCF-style: chr1-196711175-T-C.
Other names: short protein forms C1043R.
Identifiers: ClinVar variation 4291536 (VCV004291536.1).

ClinVar aggregate classification (germline): Uncertain significance (1 of 4 stars; one submission).

Conditions:
Atypical hemolytic-uremic syndrome. Identifiers: Orphanet 2134, MedGen C2931788, MONDO:0016244.

Submission:

Genomenon, Inc
Classification: Uncertain significance for Atypical hemolytic-uremic syndrome. Last evaluated: 2025-10-02. Review status: criteria provided, single submitter. Criteria: Genomenon Sequence Variant Interpretation Standards - Updated. Collection method: curation. Allele origin: germline. Affected: yes.
Comment: CFH p.Cys1043Arg (c.3127T>C) is a missense variant that changes the amino acid at residue 1043 from Cysteine to Arginine. This variant has been observed in at least one proband affected with atypical hemolytic-uremic syndrome (PMID:12960213). It is absent or not present at a significant frequency in gnomAD. In silico models agree that this variant is possibly or probably damaging. In conclusion, we classify CFH p.Cys1043Arg (c.3127T>C) as a variant of uncertain significance.

Literature cited by the submitters: PubMed 12960213.